The following is an entry in ClinVar:

ClinVar aggregate classification (germline): Likely benign (1 of 4 stars; one submission).

Allele frequency attached by ClinVar (database versions not stated): gnomAD exomes 0.00033 and 0.00041; TOPMed 0.00042; 1000 Genomes Project 30x 0.00016; gnomAD 0.00040 and 0.00039; ESP Exome Variant Server 0.00047; ExAC 0.00062.
gnomAD v4.1: 589 of 1,445,044 alleles (0.041%); highest among the groups gnomAD compares: Non-Finnish European, 0.049%; no homozygotes.

Submission:

GeneDx
Classification: Likely benign. Last evaluated: 2017-09-19. Review status: criteria provided, single submitter. Criteria: GeneDx Variant Classification (06012015). Collection method: clinical testing. Allele origin: germline. Affected: yes.
Comment: This variant is considered likely benign or benign based on one or more of the following criteria: it is a conservative change, it occurs at a poorly conserved position in the protein, it is predicted to be benign by multiple in silico algorithms, and/or has population frequency not consistent with disease.

NM_004408.4(DNM1):c.-27T>G

Genes: CIZ1 (CDKN1A interacting zinc finger protein 1; minus strand), DNM1 (dynamin 1; plus strand). Cytogenetic location: 9q34.11.
Variant type: single nucleotide variant.
Coding change: c.-27T>G on transcript NM_004408.4 (MANE Select); 27 bases upstream of the start codon, T replaced by G.
Molecular consequence: 5 prime UTR variant. On other transcripts: intron variant (2).
Genome position (GRCh38, 1-based): chr9:128,203,444, T>G. VCF-style: chr9-128203444-T-G. GRCh37 (hg19) VCF-style: chr9-130965723-T-G.
Other names: c.-27T>G (NM_001005336.3, NM_001288737.2, NM_001288738.2 and 2 more transcripts); c.-6+742A>C (NM_001131015.2, NM_012127.3).
Identifiers: ClinVar variation 512176 (VCV000512176.3), dbSNP rs373766853, ClinGen allele CA5257713.